The following is an entry in ClinVar:

NM_003038.5(SLC1A4):c.1031C>G (p.Ser344Cys)

Gene: SLC1A4 (solute carrier family 1 member 4; plus strand). Cytogenetic location: 2p14.
Variant type: single nucleotide variant.
Coding change: c.1031C>G on transcript NM_003038.5 (MANE Select); coding-DNA position 1031, C replaced by G.
Protein change: p.Ser344Cys; replaces serine 344 with cysteine.
Molecular consequence: missense variant. On other transcripts: intron variant (1).
Genome position (GRCh38, 1-based): chr2:65,016,670, C>G. VCF-style: chr2-65016670-C-G. GRCh37 (hg19) VCF-style: chr2-65243804-C-G.
Other names: c.371C>G, p.Ser124Cys (NM_001348406.2, NM_001348407.2); c.141-1401C>G (NM_001193493.2); short protein forms S344C, S124C.
Identifiers: ClinVar variation 2882312 (VCV002882312.3), dbSNP rs370964385, ClinGen allele CA1686032.

ClinVar aggregate classification (germline): Uncertain significance (1 of 4 stars; one submission).

Allele frequency attached by ClinVar (database versions not stated): ExAC 0.00001; gnomAD 0.00002; TOPMed 0.00002; ESP Exome Variant Server 0.00008.
gnomAD v4.1: 3 of 1,611,188 alleles (0.00019%); highest among the groups gnomAD compares: African/African-American, 0.004%; no homozygotes.

Submission:

Labcorp Genetics (formerly Invitae), Labcorp
Classification: Uncertain significance. Last evaluated: 2023-02-24. Review status: criteria provided, single submitter. Criteria: Invitae Variant Classification Sherloc (09022015). Collection method: clinical testing. Allele origin: germline.
Comment: This sequence change replaces serine, which is neutral and polar, with cysteine, which is neutral and slightly polar, at codon 344 of the SLC1A4 protein (p.Ser344Cys). This variant is present in population databases (rs370964385, gnomAD 0.03%). This variant has not been reported in the literature in individuals affected with SLC1A4-related conditions. Advanced modeling of protein sequence and biophysical properties (such as structural, functional, and spatial information, amino acid conservation, physicochemical variation, residue mobility, and thermodynamic stability) performed at Invitae indicates that this missense variant is expected to disrupt SLC1A4 protein function. In summary, the available evidence is currently insufficient to determine the role of this variant in disease. Therefore, it has been classified as a Variant of Uncertain Significance.